The following is an entry in ClinVar:

ClinVar aggregate classification (germline): Uncertain significance. Review status: criteria provided, multiple submitters, no conflicts (2 of 4 stars). 2 submissions from 2 submitters: Uncertain significance (2). Last evaluated 2022-08-15.

Conditions:
Autosomal recessive limb-girdle muscular dystrophy type 2K. Also called: MUSCULAR DYSTROPHY-DYSTROGLYCANOPATHY (LIMB-GIRDLE), TYPE C, 1; MUSCULAR DYSTROPHY, LIMB-GIRDLE, TYPE 2K. Identifiers: Orphanet 86812, MedGen C1836373, MONDO:0012248, OMIM 609308.
Walker-Warburg congenital muscular dystrophy. Also called: Muscular dystrophy-dystroglycanopathy, type A; Walker-Warburg syndrome. Identifiers: Orphanet 899, MedGen C0265221, MONDO:0000171.
Muscular dystrophy-dystroglycanopathy (congenital with impaired intellectual development), type B, 1. Also called: Muscular dystrophy-dystroglycanopathy (congenital with intellectual disability), type B1; MUSCULAR DYSTROPHY, CONGENITAL, POMT1-RELATED. Identifiers: MedGen C5436962, MONDO:0013159, OMIM 613155.

Allele frequency attached by ClinVar (database versions not stated): gnomAD 0.00002 and 0.00001; TOPMed 0.00002; ExAC 0.00002; gnomAD exomes 0.00001.

Submissions (2):

Labcorp Genetics (formerly Invitae), Labcorp
Classification: Uncertain significance for Muscular dystrophy-dystroglycanopathy (congenital with impaired intellectual development), type B, 1; Walker-Warburg congenital muscular dystrophy; Autosomal recessive limb-girdle muscular dystrophy type 2K. Last evaluated: 2022-08-15. Review status: criteria provided, single submitter. Criteria: Invitae Variant Classification Sherloc (09022015). Collection method: clinical testing. Allele origin: germline.
Comment: This sequence change replaces methionine, which is neutral and non-polar, with threonine, which is neutral and polar, at codon 134 of the POMT1 protein (p.Met134Thr). This variant is present in population databases (rs780170650, gnomAD 0.008%). This variant has not been reported in the literature in individuals affected with POMT1-related conditions. ClinVar contains an entry for this variant (Variation ID: 574156). Algorithms developed to predict the effect of missense changes on protein structure and function output the following: SIFT: "Tolerated"; PolyPhen-2: "Benign"; Align-GVGD: "Class C0". The threonine amino acid residue is found in multiple mammalian species, which suggests that this missense change does not adversely affect protein function. In summary, the available evidence is currently insufficient to determine the role of this variant in disease. Therefore, it has been classified as a Variant of Uncertain Significance.

Eurofins Ntd Llc (ga)
Classification: Uncertain significance. Last evaluated: 2018-04-19. Review status: criteria provided, single submitter. Criteria: EGL ClinVar v180209 classification definitions. Collection method: clinical testing. Allele origin: germline. Observed: 1 variant allele, 1 heterozygote.

NM_001077365.2(POMT1):c.401T>C (p.Met134Thr)

Gene: POMT1 (protein O-mannosyltransferase 1; plus strand). Cytogenetic location: 9q34.13.
Variant type: single nucleotide variant.
Coding change: c.401T>C on transcript NM_001077365.2 (MANE Select); coding-DNA position 401, T replaced by C.
Protein change: p.Met134Thr; replaces methionine 134 with threonine.
Molecular consequence: missense variant. On other transcripts: non-coding transcript variant (9), intron variant (2).
Genome position (GRCh38, 1-based): chr9:131,507,488, T>C. VCF-style: chr9-131507488-T-C. GRCh37 (hg19) VCF-style: chr9-134382875-T-C.
Other names: c.239T>C, p.Met80Thr (NM_001077366.2, NM_001353194.2, NM_001353197.2 and 3 more transcripts); c.401T>C, p.Met134Thr (NM_001136113.2, NM_001353193.2, NM_001374690.1 and 1 more transcripts); c.50T>C, p.Met17Thr (NM_001136114.2, NM_001353195.2, NM_001353199.2 and 2 more transcripts); c.311T>C, p.Met104Thr (NM_001353196.2); c.-29-1423T>C (NM_001374695.1); c.-30+1035T>C (NM_001353200.2); short protein forms M134T, M104T, M17T, M80T.
Identifiers: ClinVar variation 574156 (VCV000574156.9), dbSNP rs780170650, ClinGen allele CA5293250.